The following is an entry in ClinVar:

ClinVar aggregate classification (germline): Likely pathogenic (1 of 4 stars; one submission).

Conditions:
Familial hemophagocytic lymphohistiocytosis 5. Also called: STXBP2-Related Familial Hemophagocytic Lymphohistiocytosis (STXBP2-fHLH). Identifiers: Orphanet 540, MedGen C2751293, MONDO:0013135, OMIM 613101.

gnomAD v4.1: 1 of 1,614,166 alleles (0.000062%); highest among the groups gnomAD compares: Non-Finnish European, 0.000085%; no homozygotes.

Submission:

Labcorp Genetics (formerly Invitae), Labcorp
Classification: Likely pathogenic for Familial hemophagocytic lymphohistiocytosis 5. Last evaluated: 2024-12-28. Review status: criteria provided, single submitter. Criteria: Invitae Variant Classification Sherloc (09022015). Collection method: clinical testing. Allele origin: germline.
Comment: This sequence change replaces proline, which is neutral and non-polar, with arginine, which is basic and polar, at codon 139 of the STXBP2 protein (p.Pro139Arg). This variant is not present in population databases (gnomAD no frequency). This missense change has been observed in individual(s) with hemophagocytic lymphohistiocytosis (PMID: 22970278). In at least one individual the data is consistent with being in trans (on the opposite chromosome) from a pathogenic variant. Invitae Evidence Modeling of protein sequence and biophysical properties (such as structural, functional, and spatial information, amino acid conservation, physicochemical variation, residue mobility, and thermodynamic stability) indicates that this missense variant is expected to disrupt STXBP2 protein function with a positive predictive value of 95%. In summary, the currently available evidence indicates that the variant is pathogenic, but additional data are needed to prove that conclusively. Therefore, this variant has been classified as Likely Pathogenic.

Literature cited by the submitters: PubMed 22970278.

NM_006949.4(STXBP2):c.416C>G (p.Pro139Arg)

Gene: STXBP2 (syntaxin binding protein 2; plus strand). Cytogenetic location: 19p13.2.
Variant type: single nucleotide variant.
Coding change: c.416C>G on transcript NM_006949.4 (MANE Select); coding-DNA position 416, C replaced by G.
Protein change: p.Pro139Arg; replaces proline 139 with arginine.
Molecular consequence: missense variant. On other transcripts: non-coding transcript variant (1).
Genome position (GRCh38, 1-based): chr19:7,640,990, C>G. VCF-style: chr19-7640990-C-G. GRCh37 (hg19) VCF-style: chr19-7705876-C-G.
Other names: c.407C>G, p.Pro136Arg (NM_001127396.3); c.449C>G, p.Pro150Arg (NM_001272034.2); c.320C>G, p.Pro107Arg (NM_001414484.1); short protein forms P107R, P136R, P150R, P139R.
Identifiers: ClinVar variation 3723256 (VCV003723256.2).